The following is an entry in ClinVar:

NM_001031725.6(DDX59):c.251G>C (p.Ser84Thr)

Gene: DDX59 (DEAD-box helicase 59; minus strand). Cytogenetic location: 1q32.1.
Variant type: single nucleotide variant.
Coding change: c.251G>C on transcript NM_001031725.6 (MANE Select); coding-DNA position 251, G replaced by C.
Protein change: p.Ser84Thr; replaces serine 84 with threonine.
Molecular consequence: missense variant.
Genome position (GRCh38, 1-based): chr1:200,666,490, C>G on the plus strand (G>C on the coding strand, the complement: DDX59 is on the minus strand). VCF-style: chr1-200666490-C-G. GRCh37 (hg19) VCF-style: chr1-200635618-C-G.
Other names: c.251G>C, p.Ser84Thr (NM_001320181.2, NM_001320182.1, NM_001349799.3 and 5 more transcripts); c.251G>C (NM_001031725.4); short protein forms S84T.
Identifiers: ClinVar variation 770684 (VCV000770684.38), dbSNP rs146060105, ClinGen allele CA1318513.

ClinVar aggregate classification (germline): Likely benign. Review status: criteria provided, multiple submitters, no conflicts (2 of 4 stars). 8 submissions from 8 submitters: Likely benign (5). 3 of the submissions do not count toward it. Last evaluated 2026-01-05.

Conditions:
Inborn genetic diseases. Identifiers: MedGen C0950123, MeSH D030342.
DDX59-related disorder. Also called: DDX59-related condition.

Allele frequency attached by ClinVar (database versions not stated): 1000 Genomes Project 30x 0.00141; 1000 Genomes Project 0.00180; gnomAD 0.00272 and 0.00277; ExAC 0.00280; gnomAD exomes 0.00280; TOPMed 0.00313; ESP Exome Variant Server 0.00369.
gnomAD v4.1: 5,218 of 1,614,228 alleles (0.32%); highest among the groups gnomAD compares: Middle Eastern, 1.5%; 20 homozygotes.

Submissions (8):

Labcorp Genetics (formerly Invitae), Labcorp
Classification: Likely benign. Last evaluated: 2026-01-05. Review status: criteria provided, single submitter. Criteria: Invitae Variant Classification Sherloc (09022015). Collection method: clinical testing. Allele origin: germline.

CeGaT Center for Human Genetics Tuebingen
Classification: Likely benign. Last evaluated: 2024-12-01. Review status: criteria provided, single submitter. Criteria: CeGaT Center For Human Genetics Tuebingen Variant Classification Criteria Version 2. Collection method: clinical testing. Allele origin: germline. Affected: yes. Observed: 11 variant alleles.
Comment: DDX59: BP4, BS2

Blueprint Genetics
Classification: Likely benign. Last evaluated: 2024-11-26. Review status: criteria provided, single submitter. Criteria: ACMG Guidelines, 2015. Collection method: clinical testing. Allele origin: germline.

Ambry Genetics
Classification: Likely benign for Inborn genetic diseases. Last evaluated: 2021-08-26. Review status: criteria provided, single submitter. Criteria: Ambry Variant Classification Scheme 2023. Collection method: clinical testing. Allele origin: germline.

Breakthrough Genomics
Classification: Likely benign. Review status: criteria provided, single submitter. Criteria: ACMG Guidelines, 2015. Collection method: not provided. Allele origin: germline. Inheritance: Autosomal recessive inheritance. Affected: yes.

PreventionGenetics, part of Exact Sciences
Classification: Benign for DDX59-related condition. Last evaluated: 2019-06-13. Review status: no assertion criteria provided. Collection method: clinical testing. Allele origin: germline. Not counted in ClinVar's aggregate classification.
Comment: This variant is classified as benign based on ACMG/AMP sequence variant interpretation guidelines (Richards et al. 2015 PMID: 25741868, with internal and published modifications).

Genome Diagnostics Laboratory, University Medical Center Utrecht
Classification: Likely benign. Review status: no assertion criteria provided. Collection method: clinical testing. Allele origin: germline. Affected: yes. Study: VKGL Data-share Consensus. Not counted in ClinVar's aggregate classification.

Laboratory of Diagnostic Genome Analysis, Leiden University Medical Center (LUMC)
Classification: Likely benign. Review status: no assertion criteria provided. Collection method: clinical testing. Allele origin: germline. Affected: yes. Study: VKGL Data-share Consensus. Not counted in ClinVar's aggregate classification.